The following is an entry in ClinVar:

ClinVar aggregate classification (germline): Uncertain significance. Review status: criteria provided, multiple submitters, no conflicts (2 of 4 stars). 2 submissions from 2 submitters: Uncertain significance (2). Last evaluated 2025-11-03.

Conditions:
Inborn genetic diseases. Identifiers: MedGen C0950123, MeSH D030342.

Allele frequency attached by ClinVar (database versions not stated): gnomAD exomes 0.00003 and 0.00007; ESP Exome Variant Server 0.00008; TOPMed 0.00007; gnomAD 0.00005; ExAC 0.00007.
gnomAD v4.1: 49 of 1,571,782 alleles (0.0031%); highest among the groups gnomAD compares: Admixed American, 0.024%; no homozygotes.

Submissions (2):

Ambry Genetics
Classification: Uncertain significance for Inborn genetic diseases. Last evaluated: 2025-11-03. Review status: criteria provided, single submitter. Criteria: Ambry Variant Classification Scheme 2023. Collection method: clinical testing. Allele origin: germline.

Labcorp Genetics (formerly Invitae), Labcorp
Classification: Uncertain significance. Last evaluated: 2022-07-06. Review status: criteria provided, single submitter. Criteria: Invitae Variant Classification Sherloc (09022015). Collection method: clinical testing. Allele origin: germline.
Comment: This sequence change replaces glycine, which is neutral and non-polar, with arginine, which is basic and polar, at codon 833 of the TONSL protein (p.Gly833Arg). This variant is present in population databases (rs374417537, gnomAD 0.03%). This variant has not been reported in the literature in individuals affected with TONSL-related conditions. ClinVar contains an entry for this variant (Variation ID: 1517541). Algorithms developed to predict the effect of missense changes on protein structure and function output the following: SIFT: "Deleterious"; PolyPhen-2: "Benign"; Align-GVGD: "Class C0". The arginine amino acid residue is found in multiple mammalian species, which suggests that this missense change does not adversely affect protein function. In summary, the available evidence is currently insufficient to determine the role of this variant in disease. Therefore, it has been classified as a Variant of Uncertain Significance.

NM_013432.5(TONSL):c.2497G>A (p.Gly833Arg)

Genes: TONSL (tonsoku like, DNA repair protein; minus strand), TONSL-AS1 (TONSL antisense RNA 1; plus strand). Cytogenetic location: 8q24.3.
Variant type: single nucleotide variant.
Coding change: c.2497G>A on transcript NM_013432.5 (MANE Select); coding-DNA position 2497, G replaced by A.
Protein change: p.Gly833Arg; replaces glycine 833 with arginine.
Molecular consequence: missense variant.
Genome position (GRCh38, 1-based): chr8:144,435,936, C>T on the plus strand (G>A on the coding strand, the complement: TONSL is on the minus strand). VCF-style: chr8-144435936-C-T. GRCh37 (hg19) VCF-style: chr8-145661319-C-T.
Other names: c.2497G>A (NM_013432.4); short protein forms G833R.
Identifiers: ClinVar variation 1517541 (VCV001517541.4), dbSNP rs374417537, ClinGen allele CA4942810.